The following is an entry in ClinVar:

NM_000218.3(KCNQ1):c.1514+35216A>G

Genes: KCNQ1 (potassium voltage-gated channel subfamily Q member 1; plus strand), KCNQ1OT1 (KCNQ1 opposite strand/antisense transcript 1; minus strand). Cytogenetic location: 11p15.5.
Variant type: single nucleotide variant.
Coding change: c.1514+35216A>G on transcript NM_000218.3 (MANE Select); 35216 bases into the intron after coding-DNA position 1514, A replaced by G.
Molecular consequence: intron variant. On other transcripts: non-coding transcript variant (1).
Genome position (GRCh38, 1-based): chr11:2,697,297, A>G. VCF-style: chr11-2697297-A-G. GRCh37 (hg19) VCF-style: chr11-2718527-A-G.
Other names: c.1244+35216A>G (NM_001406837.1); c.1418+35216A>G (NM_001406836.1); c.974+35216A>G (NM_001406838.1); c.1133+35216A>G (NM_181798.2).
Identifiers: ClinVar variation 3067540 (VCV003067540.21), dbSNP rs201239388, ClinGen allele CA216197020.

ClinVar aggregate classification (germline): Benign (1 of 4 stars; one submission).

Allele frequency attached by ClinVar (database versions not stated): gnomAD exomes 0.00033; 1000 Genomes Project 0.00100; 1000 Genomes Project 30x 0.00109.
gnomAD v4.1: 179 of 398,594 alleles (0.045%); highest among the groups gnomAD compares: East Asian, 0.38%; 1 homozygote.

Submission:

CeGaT Center for Human Genetics Tuebingen
Classification: Benign. Last evaluated: 2024-03-01. Review status: criteria provided, single submitter. Criteria: CeGaT Center For Human Genetics Tuebingen Variant Classification Criteria Version 2. Collection method: clinical testing. Allele origin: germline. Affected: yes. Observed: 1 variant allele.
Comment: KCNQ1OT1: BS1, BS2